The following is an entry in ClinVar:

NM_021072.4(HCN1):c.2633A>C (p.Asp878Ala)

Gene: HCN1 (hyperpolarization activated cyclic nucleotide gated potassium channel 1; minus strand). Cytogenetic location: 5p12.
Variant type: single nucleotide variant.
Coding change: c.2633A>C on transcript NM_021072.4 (MANE Select); coding-DNA position 2633, A replaced by C.
Protein change: p.Asp878Ala; replaces aspartic acid 878 with alanine.
Molecular consequence: missense variant.
Genome position (GRCh38, 1-based): chr5:45,261,961, T>G on the plus strand (A>C on the coding strand, the complement: HCN1 is on the minus strand). VCF-style: chr5-45261961-T-G. GRCh37 (hg19) VCF-style: chr5-45262063-T-G.
Other names: short protein forms D878A.
Identifiers: ClinVar variation 4886702 (VCV004886702.2).

ClinVar aggregate classification (germline): Uncertain significance (1 of 4 stars; one submission).

Submission:

Dasa
Classification: Uncertain significance. Last evaluated: 2026-04-24. Review status: criteria provided, single submitter. Criteria: DASA Assertion Criteria. Collection method: clinical testing. Allele origin: germline.
Comment: NM_021072.4(HCN1):c.2633A>C (p.Asp878Ala) is a missense variant that results in the substitution of aspartic acid with alanine. This variant is rare in population databases. The currently available literature and clinical evidence are not sufficient to establish a definitive association between this variant and the reported condition. Therefore, this variant is classified as a variant of uncertain significance.